The following is an entry in ClinVar:

NM_000642.3(AGL):c.1468_1469del (p.Ser490fs)

Gene: AGL (amylo-alpha-1,6-glucosidase and 4-alpha-glucanotransferase; plus strand). Cytogenetic location: 1p21.2.
Variant type: Deletion.
Coding change: c.1468_1469del on transcript NM_000642.3 (MANE Select); coding-DNA positions 1468 to 1469, 2 bases deleted (AG; older notation c.1468_1469delAG).
Protein change: p.Ser490fs; shifts the reading frame from serine 490.
Molecular consequence: frameshift variant.
Genome position (GRCh38, 1-based): chr1:99,877,685-99,877,686, AG deleted. VCF-style (leftmost placement, unchanged base first): chr1-99877684-CAG-C. GRCh37 (hg19) VCF-style: chr1-100343240-CAG-C.
Other names: c.1468_1469delAG, p.Ser490Cysfs (NM_000028.3, NM_000643.3, NM_000644.3 and 2 more transcripts); c.1420_1421delAG, p.Ser474Cysfs (NM_000646.3); c.1267_1268delAG, p.Ser423Cysfs (NM_001425327.1); c.1264_1265delAG, p.Ser422Cysfs (NM_001425328.1, NM_001425329.1); c.1090_1091delAG, p.Ser364Cysfs (NM_001425332.1); short protein forms S474fs, S490fs.
Identifiers: ClinVar variation 2009112 (VCV002009112.4), dbSNP rs2524620789, ClinGen allele CA2580063362.

ClinVar aggregate classification (germline): Pathogenic (1 of 4 stars; one submission).

Conditions:
Glycogen storage disease type III (GSD3). Also called: FORBES DISEASE; Cori disease. Identifiers: Orphanet 366, MedGen C0017922, MONDO:0009291, OMIM 232400.

Submission:

Labcorp Genetics (formerly Invitae), Labcorp
Classification: Pathogenic for Glycogen storage disease type III. Last evaluated: 2022-06-22. Review status: criteria provided, single submitter. Criteria: Invitae Variant Classification Sherloc (09022015). Collection method: clinical testing. Allele origin: germline.
Comment: This sequence change creates a premature translational stop signal (p.Ser490Cysfs*2) in the AGL gene. It is expected to result in an absent or disrupted protein product. Loss-of-function variants in AGL are known to be pathogenic (PMID: 19299494). This variant is not present in population databases (gnomAD no frequency). This variant has not been reported in the literature in individuals affected with AGL-related conditions. For these reasons, this variant has been classified as Pathogenic.

Literature cited by the submitters: PubMed 19299494.